The following is an entry in ClinVar:

ClinVar aggregate classification (germline): Uncertain significance (1 of 4 stars; one submission).

Submission:

Labcorp Genetics (formerly Invitae), Labcorp
Classification: Uncertain significance. Last evaluated: 2022-06-29. Review status: criteria provided, single submitter. Criteria: Invitae Variant Classification Sherloc (09022015). Collection method: clinical testing. Allele origin: germline.
Comment: This sequence change replaces threonine, which is neutral and polar, with serine, which is neutral and polar, at codon 686 of the KMT2A protein (p.Thr686Ser). In summary, the available evidence is currently insufficient to determine the role of this variant in disease. Therefore, it has been classified as a Variant of Uncertain Significance. Advanced modeling of protein sequence and biophysical properties (such as structural, functional, and spatial information, amino acid conservation, physicochemical variation, residue mobility, and thermodynamic stability) performed at Invitae indicates that this missense variant is not expected to disrupt KMT2A protein function. This variant has not been reported in the literature in individuals affected with KMT2A-related conditions. This variant is not present in population databases (gnomAD no frequency).

NM_001197104.2(KMT2A):c.2056A>T (p.Thr686Ser)

Gene: KMT2A (lysine methyltransferase 2A; plus strand). Cytogenetic location: 11q23.3.
Variant type: single nucleotide variant.
Coding change: c.2056A>T on transcript NM_001197104.2 (MANE Select); coding-DNA position 2056, A replaced by T.
Protein change: p.Thr686Ser; replaces threonine 686 with serine.
Molecular consequence: missense variant.
Genome position (GRCh38, 1-based): chr11:118,473,215, A>T. VCF-style: chr11-118473215-A-T. GRCh37 (hg19) VCF-style: chr11-118343930-A-T.
Other names: c.2155A>T, p.Thr719Ser (NM_001412597.1); c.2056A>T, p.Thr686Ser (NM_005933.4); short protein forms T719S, T686S.
Identifiers: ClinVar variation 2012300 (VCV002012300.4), dbSNP rs782026566, ClinGen allele CA382812281.